The following is an entry in ClinVar:

ClinVar aggregate classification (germline): Likely benign. Review status: criteria provided, single submitter (1 of 4 stars). 2 submissions from 2 submitters: Likely benign (1). 1 of the submissions does not count toward it. Last evaluated 2025-03-16.

Conditions:
RECQL4-related disorder. Also called: RECQL4-related condition; RECQL4-related disorders.
Baller-Gerold syndrome (BGS). Also called: CRANIOSYNOSTOSIS WITH RADIAL DEFECTS. Identifiers: Orphanet 1225, MedGen C0265308, MONDO:0009039, OMIM 218600.

Allele frequency attached by ClinVar (database versions not stated): gnomAD 0.00001 and 0.00002; TOPMed 0.00002; ESP Exome Variant Server 0.00008.
gnomAD v4.1: 14 of 1,611,904 alleles (0.00087%); highest among the groups gnomAD compares: African/African-American, 0.0013%; no homozygotes.

Submissions (2):

Labcorp Genetics (formerly Invitae), Labcorp
Classification: Likely benign for Baller-Gerold syndrome. Last evaluated: 2025-03-16. Review status: criteria provided, single submitter. Criteria: Invitae Variant Classification Sherloc (09022015). Collection method: clinical testing. Allele origin: germline.

PreventionGenetics, part of Exact Sciences
Classification: Likely benign for RECQL4-related condition. Last evaluated: 2020-09-24. Review status: no assertion criteria provided. Collection method: clinical testing. Allele origin: germline. Not counted in ClinVar's aggregate classification.
Comment: This variant is classified as likely benign based on ACMG/AMP sequence variant interpretation guidelines (Richards et al. 2015 PMID: 25741868, with internal and published modifications).

NM_004260.4(RECQL4):c.2775C>T (p.Cys925=)

Gene: RECQL4 (RecQ like helicase 4; minus strand). Cytogenetic location: 8q24.3.
Variant type: single nucleotide variant.
Coding change: c.2775C>T on transcript NM_004260.4 (MANE Select); coding-DNA position 2775, C replaced by T.
Protein change: p.Cys925=; no amino-acid change (cysteine 925 retained).
Molecular consequence: synonymous variant.
Genome position (GRCh38, 1-based): chr8:144,512,752, G>A on the plus strand (C>T on the coding strand, the complement: RECQL4 is on the minus strand). VCF-style: chr8-144512752-G-A. GRCh37 (hg19) VCF-style: chr8-145738135-G-A.
Identifiers: ClinVar variation 459433 (VCV000459433.12), dbSNP rs376838923, ClinGen allele CA4948078.